The following is an entry in ClinVar:

ClinVar aggregate classification (germline): Pathogenic/Likely pathogenic. Review status: criteria provided, multiple submitters, no conflicts (2 of 4 stars). 4 submissions from 4 submitters: Pathogenic (1); Likely pathogenic (3). Last evaluated 2024-09-30.

Conditions:
Hermansky-Pudlak syndrome (HPS). Also called: ALBINISM WITH HEMORRHAGIC DIATHESIS AND PIGMENTED RETICULOENDOTHELIAL CELLS. Identifiers: Orphanet 79430, MedGen C0079504, MONDO:0019312.
Hermansky-Pudlak syndrome 1 (HPS1). Also called: DELTA STORAGE POOL DISEASE. Identifiers: Orphanet 231500, Orphanet 79430, MedGen C2931875, MONDO:0008748, OMIM 203300.

Submissions (4):

Natera, Inc.
Classification: Likely pathogenic for Hermansky-Pudlak syndrome. Last evaluated: 2024-09-30. Review status: criteria provided, single submitter. Criteria: Natera Variant Classification Schema (03/2026). Collection method: clinical testing. Allele origin: germline.
Comment: The c.904_917dup variant in HPS1 is a frameshift variant predicted to shift the reading frame beginning at codon 307 and leads to a stop codon 29 codons downstream. This variant is expected to result in nonsense mediated decay, truncation, or a dysfunctional protein product. This variant is rare in the general population with a frequency below the threshold expected for the associated phenotype(s). Given the available evidence, this variant is classified as Likely Pathogenic.

Fulgent Genetics
Classification: Likely pathogenic for Hermansky-Pudlak syndrome 1. Last evaluated: 2024-06-18. Review status: criteria provided, single submitter. Criteria: ACMG Guidelines, 2015. Collection method: clinical testing. Allele origin: germline.

Baylor Genetics
Classification: Likely pathogenic for Hermansky-Pudlak syndrome 1. Last evaluated: 2024-01-01. Review status: criteria provided, single submitter. Criteria: ACMG Guidelines, 2015. Collection method: clinical testing. Allele origin: unknown.

Labcorp Genetics (formerly Invitae), Labcorp
Classification: Pathogenic. Last evaluated: 2023-08-11. Review status: criteria provided, single submitter. Criteria: Invitae Variant Classification Sherloc (09022015). Collection method: clinical testing. Allele origin: germline.
Comment: For these reasons, this variant has been classified as Pathogenic. This variant has not been reported in the literature in individuals affected with HPS1-related conditions. This variant is present in population databases (rs760395614, gnomAD 0.007%). This sequence change creates a premature translational stop signal (p.Pro307Hisfs*29) in the HPS1 gene. It is expected to result in an absent or disrupted protein product. Loss-of-function variants in HPS1 are known to be pathogenic (PMID: 12442288, 16185271).

Literature cited by the submitters: PubMed 12442288 (cited by Labcorp Genetics (formerly Invitae), Labcorp); PubMed 16185271 (cited by Labcorp Genetics (formerly Invitae), Labcorp).

NM_000195.5(HPS1):c.904_917dup (p.Pro307fs)

Gene: HPS1 (HPS1 biogenesis of lysosomal organelles complex 3 subunit 1; minus strand). Cytogenetic location: 10q24.2.
Variant type: Duplication.
Coding change: c.904_917dup on transcript NM_000195.5 (MANE Select); coding-DNA positions 904 to 917, 14 bases duplicated (ACACCAGCTCCTTC).
Protein change: p.Pro307fs; shifts the reading frame from proline 307.
Molecular consequence: frameshift variant. On other transcripts: 5 prime UTR variant (3).
Genome position (GRCh38, 1-based): chr10:98,429,593-98,429,606, GAAGGAGCTGGTGT duplicated on the plus strand (ACACCAGCTCCTTC on the coding strand, the reverse complement: HPS1 is on the minus strand); duplicating any 14 consecutive bases within chr10:98,429,593-98,429,610 gives the same sequence; the c. name uses the placement nearest the transcript's 3' end. VCF-style (leftmost placement, unchanged base first): chr10-98429592-G-GGAAGGAGCTGGTGT. GRCh37 (hg19) VCF-style: chr10-100189349-G-GGAAGGAGCTGGTGT.
Other names: c.904_917dup (NM_000195.4); c.805_818dup, p.Pro274fs (NM_001322491.2, NM_001322478.2, NM_001322479.2); c.687_700dup, p.Pro234fs (NM_001322492.2); c.904_917dup, p.Pro307fs (NM_182639.4, NM_001322476.2, NM_001322477.2); c.535_548dup, p.Pro184fs (NM_001322483.2, NM_001322484.2); c.436_449dup, p.Pro151fs (NM_001322485.2); c.-69_-56dup (NM_001322487.2, NM_001322489.2, NM_001311345.2); c.786_799dup, p.Pro267fs (NM_001322490.2); and 2 more; short protein forms P184fs, P187fs, P267fs, P220fs, P307fs, P274fs, P151fs, P234fs.
Identifiers: ClinVar variation 3014441 (VCV003014441.6), dbSNP rs760395614, ClinGen allele CA5639223.